The following is an entry in ClinVar:

ClinVar aggregate classification (germline): Uncertain significance. Review status: criteria provided, multiple submitters, no conflicts (2 of 4 stars). 4 submissions from 4 submitters: Uncertain significance (4). Last evaluated 2025-10-01.

Conditions:
Hereditary cancer-predisposing syndrome. Also called: Neoplastic Syndromes, Hereditary; Tumor predisposition; Hereditary Cancer Syndrome; Hereditary neoplastic syndrome. Identifiers: Orphanet 140162, MedGen C0027672, MeSH D009386, MONDO:0015356.
Familial cancer of breast. Also called: BREAST CANCER, FAMILIAL; Hereditary breast cancer; hereditary breast carcinoma. Identifiers: Orphanet 227535, MedGen C0346153, MONDO:0016419, OMIM 114480. Disease mechanism: loss of function.

Allele frequency attached by ClinVar (database versions not stated): gnomAD exomes below 0.00001; TOPMed below 0.00001.
gnomAD v4.1: 1 of 1,599,450 alleles (0.000063%); highest among the groups gnomAD compares: Non-Finnish European, 0.000085%; no homozygotes.

Submissions (4):

Labcorp Genetics (formerly Invitae), Labcorp
Classification: Uncertain significance for Familial cancer of breast. Last evaluated: 2025-10-01. Review status: criteria provided, single submitter. Criteria: Invitae Variant Classification Sherloc (09022015). Collection method: clinical testing. Allele origin: germline.
Comment: This sequence change replaces arginine, which is basic and polar, with glycine, which is neutral and non-polar, at codon 201 of the BARD1 protein (p.Arg201Gly). This variant is present in population databases (rs786203051, gnomAD 0.0009%). This variant has not been reported in the literature in individuals affected with BARD1-related conditions. ClinVar contains an entry for this variant (Variation ID: 186570). An algorithm developed to predict the effect of missense changes on protein structure and function (PolyPhen-2) suggests that this variant is likely to be tolerated. In summary, the available evidence is currently insufficient to determine the role of this variant in disease. Therefore, it has been classified as a Variant of Uncertain Significance.

Ambry Genetics
Classification: Uncertain significance for Hereditary cancer-predisposing syndrome. Last evaluated: 2025-07-14. Review status: criteria provided, single submitter. Criteria: Ambry Variant Classification Scheme 2023. Collection method: clinical testing. Allele origin: germline.
Comment: The p.R201G variant (also known as c.601A>G), located in coding exon 4 of the BARD1 gene, results from an A to G substitution at nucleotide position 601. The arginine at codon 201 is replaced by glycine, an amino acid with dissimilar properties. This amino acid position is not well conserved in available vertebrate species. In addition, this alteration is predicted to be tolerated by in silico analysis. Since supporting evidence is limited at this time, the clinical significance of this alteration remains unclear.

Color Diagnostics, LLC DBA Color Health
Classification: Uncertain significance for Hereditary cancer-predisposing syndrome. Last evaluated: 2023-12-04. Review status: criteria provided, single submitter. Criteria: ACMG Guidelines, 2015. Collection method: clinical testing. Allele origin: germline.
Comment: This missense variant replaces arginine with glycine at codon 201 of the BARD1 protein. Computational prediction suggests that this variant may not impact protein structure and function (internally defined REVEL score threshold <= 0.5, PMID: 27666373). To our knowledge, functional studies have not been reported for this variant. This variant has not been reported in individuals affected with BARD1-related disorders in the literature. This variant has been identified in 1/237336 chromosomes in the general population by the Genome Aggregation Database (gnomAD). The available evidence is insufficient to determine the role of this variant in disease conclusively. Therefore, this variant is classified as a Variant of Uncertain Significance.

GeneDx
Classification: Uncertain significance. Last evaluated: 2023-03-20. Review status: criteria provided, single submitter. Criteria: GeneDx Variant Classification Process June 2021. Collection method: clinical testing. Allele origin: germline. Affected: yes.
Comment: Not observed at significant frequency in large population cohorts (gnomAD); In silico analysis supports that this missense variant does not alter protein structure/function; Has not been previously published as pathogenic or benign to our knowledge

NM_000465.4(BARD1):c.601A>G (p.Arg201Gly)

Gene: BARD1 (BRCA1 associated RING domain 1; minus strand). Cytogenetic location: 2q35.
Variant type: single nucleotide variant.
Coding change: c.601A>G on transcript NM_000465.4 (MANE Select); coding-DNA position 601, A replaced by G.
Protein change: p.Arg201Gly; replaces arginine 201 with glycine.
Molecular consequence: missense variant. On other transcripts: non-coding transcript variant (2), intron variant (3).
Genome position (GRCh38, 1-based): chr2:214,781,273, T>C on the plus strand (A>G on the coding strand, the complement: BARD1 is on the minus strand). VCF-style: chr2-214781273-T-C. GRCh37 (hg19) VCF-style: chr2-215645997-T-C.
Other names: c.544A>G, p.Arg182Gly (NM_001282543.2); c.158+28139A>G (NM_001282548.2); c.215+15788A>G (NM_001282545.2); c.364+11024A>G (NM_001282549.2); short protein forms R201G, R182G.
Identifiers: ClinVar variation 186570 (VCV000186570.25), dbSNP rs786203051, ClinGen allele CA195202.
Genomic context (GRCh38, chr2:214,781,273, plus strand): 5'-CTAAATTCCATTTTTGGTTGATTTCAGCTAAAGTTTTCTTTTTTTGCTTTTTTCCAGATC[T>C]TGCAGAAGCCTTTTTAGCCCTCTCAGAAACATCTGCAGGAGGACTTGGGGAAACAAATTC-3'
Protein context (NP_000456.2, residues 191-211): VSERAKKASA[Arg201Gly]SGKKQKKKTL